The following is an entry in ClinVar:

NM_001070.4(TUBG1):c.-403C>A

Genes: RETREG3 (reticulophagy regulator family member 3; minus strand), TUBG1 (tubulin gamma 1; plus strand), LOC130060913 (ATAC-STARR-seq lymphoblastoid active region 12211; plus strand). Cytogenetic location: 17q21.2.
Variant type: single nucleotide variant.
Coding change: c.-403C>A on transcript NM_001070.4; 403 bases upstream of the start codon, C replaced by A.
Molecular consequence: 5 prime UTR variant (on NM_178126.4). On other transcripts: non-coding transcript variant (1).
Genome position (GRCh38, 1-based): chr17:42,609,335, C>A. VCF-style: chr17-42609335-C-A. GRCh37 (hg19) VCF-style: chr17-40761353-C-A.
Other names: c.-11G>T (NM_178126.4).
Identifiers: ClinVar variation 672681 (VCV000672681.4), dbSNP rs148592159, ClinGen allele CA8579656.

ClinVar aggregate classification (germline): Benign. Review status: criteria provided, multiple submitters, no conflicts (2 of 4 stars). 2 submissions from 2 submitters: Benign (2). Last evaluated 2018-06-14.

Allele frequency attached by ClinVar (database versions not stated): gnomAD 0.01619 and 0.01490; 1000 Genomes Project 30x 0.01312; ESP Exome Variant Server 0.01465; ExAC 0.00456; 1000 Genomes Project 0.01298; TOPMed 0.01680.
gnomAD v4.1: 4,496 of 1,592,866 alleles (0.28%); highest among the groups gnomAD compares: African/African-American, 5.2%; 115 homozygotes.

Submissions (2):

GeneDx
Classification: Benign. Last evaluated: 2018-06-14. Review status: criteria provided, single submitter. Criteria: GeneDx Variant Classification (06012015). Collection method: clinical testing. Allele origin: germline. Affected: yes.
Comment: This variant is considered likely benign or benign based on one or more of the following criteria: it is a conservative change, it occurs at a poorly conserved position in the protein, it is predicted to be benign by multiple in silico algorithms, and/or has population frequency not consistent with disease.

Breakthrough Genomics
Classification: Benign. Review status: criteria provided, single submitter. Criteria: ACMG Guidelines, 2015. Collection method: not provided. Allele origin: germline. Inheritance: Unknown mechanism. Affected: yes.